The following is an entry in ClinVar:

ClinVar aggregate classification (germline): Uncertain significance (1 of 4 stars; one submission).

Allele frequency attached by ClinVar (database versions not stated): TOPMed below 0.00001; gnomAD 0.00001.

Submission:

Labcorp Genetics (formerly Invitae), Labcorp
Classification: Uncertain significance. Last evaluated: 2022-05-14. Review status: criteria provided, single submitter. Criteria: Invitae Variant Classification Sherloc (09022015). Collection method: clinical testing. Allele origin: germline.
Comment: This variant has not been reported in the literature in individuals affected with KIZ-related conditions. Experimental studies and prediction algorithms are not available or were not evaluated, and the functional significance of this variant is currently unknown. In summary, the available evidence is currently insufficient to determine the role of this variant in disease. Therefore, it has been classified as a Variant of Uncertain Significance. This variant is not present in population databases (gnomAD no frequency). This sequence change replaces aspartic acid, which is acidic and polar, with asparagine, which is neutral and polar, at codon 673 of the KIZ protein (p.Asp673Asn).

NM_018474.6(KIZ):c.2017G>A (p.Asp673Asn)

Gene: KIZ (kizuna centrosomal protein; plus strand). Cytogenetic location: 20p11.23.
Variant type: single nucleotide variant.
Coding change: c.2017G>A on transcript NM_018474.6 (MANE Select); coding-DNA position 2017, G replaced by A.
Protein change: p.Asp673Asn; replaces aspartic acid 673 with asparagine.
Molecular consequence: missense variant.
Genome position (GRCh38, 1-based): chr20:21,246,571, G>A. VCF-style: chr20-21246571-G-A. GRCh37 (hg19) VCF-style: chr20-21227209-G-A.
Other names: c.1708G>A, p.Asp570Asn (NM_001163022.3); c.1618G>A, p.Asp540Asn (NM_001163023.3); c.1870G>A, p.Asp624Asn (NM_001276389.2); c.1963G>A, p.Asp655Asn (NM_001352434.2); c.1654G>A, p.Asp552Asn (NM_001352435.2); c.1675G>A, p.Asp559Asn (NM_001352436.2); short protein forms D559N, D624N, D552N, D673N, D540N, D570N, D655N.
Identifiers: ClinVar variation 1919902 (VCV001919902.5), dbSNP rs1167467276, ClinGen allele CA408496635.